The following is an entry in ClinVar:

ClinVar aggregate classification (germline): Likely benign (1 of 4 stars; one submission).

gnomAD v4.1: 1 of 1,608,608 alleles (0.000062%); highest among the groups gnomAD compares: Non-Finnish European, 0.000085%; no homozygotes.

Submission:

CeGaT Center for Human Genetics Tuebingen
Classification: Likely benign. Last evaluated: 2024-05-01. Review status: criteria provided, single submitter. Criteria: CeGaT Center For Human Genetics Tuebingen Variant Classification Criteria Version 2. Collection method: clinical testing. Allele origin: germline. Affected: yes. Observed: 1 variant allele.
Comment: SMARCB1: PM2:Supporting, BP4, BP7

NM_003073.5(SMARCB1):c.18G>A (p.Leu6=)

Gene: SMARCB1 (SWI/SNF related BAF chromatin remodeling complex subunit B1; plus strand). Cytogenetic location: 22q11.23.
Variant type: single nucleotide variant.
Coding change: c.18G>A on transcript NM_003073.5 (MANE Select); coding-DNA position 18, G replaced by A.
Protein change: p.Leu6=; no amino-acid change (leucine 6 retained).
Molecular consequence: synonymous variant.
Genome position (GRCh38, 1-based): chr22:23,787,187, G>A. VCF-style: chr22-23787187-G-A. GRCh37 (hg19) VCF-style: chr22-24129374-G-A.
Other names: c.18G>A, p.Leu6= (NM_001007468.3, NM_001317946.2, NM_001362877.2).
Identifiers: ClinVar variation 3239589 (VCV003239589.19), dbSNP rs1381647379.